The following is an entry in ClinVar:

ClinVar aggregate classification (germline): Uncertain significance (1 of 4 stars; one submission).

Submission:

Labcorp Genetics (formerly Invitae), Labcorp
Classification: Uncertain significance. Last evaluated: 2022-08-31. Review status: criteria provided, single submitter. Criteria: Invitae Variant Classification Sherloc (09022015). Collection method: clinical testing. Allele origin: germline.
Comment: In summary, the available evidence is currently insufficient to determine the role of this variant in disease. Therefore, it has been classified as a Variant of Uncertain Significance. Experimental studies and prediction algorithms are not available or were not evaluated, and the functional significance of this variant is currently unknown. This variant has not been reported in the literature in individuals affected with MYLK3-related conditions. This variant results in a copy number gain of the genomic region encompassing exon(s) 9-13 of the MYLK3 gene. This region includes the termination codon of the gene. This copy number gain extends beyond the assayed region for this gene and therefore may encompass additional genes. As the precise location of this event is unknown, it may be in tandem or it may be located elsewhere in the genome.

NC_000016.9:g.(?_46694384)_(46755125_?)dup

Genes: MYLK3 (myosin light chain kinase 3; minus strand), ORC6 (origin recognition complex subunit 6; plus strand), VPS35 (VPS35 retromer complex component; minus strand). Cytogenetic location: 16q11.2.
Variant type: Duplication.
Identifiers: ClinVar variation 1445538 (VCV001445538.5).